The following is an entry in ClinVar:

ClinVar aggregate classification (germline): Uncertain significance (1 of 4 stars; one submission).

gnomAD v4.1: 69 of 1,614,198 alleles (0.0043%); highest among the groups gnomAD compares: African/African-American, 0.049%; 2 homozygotes.

Submissions (2):

Labcorp Genetics (formerly Invitae), Labcorp
Classification: Uncertain significance. Last evaluated: 2025-10-21. Review status: criteria provided, single submitter. Criteria: Invitae Variant Classification Sherloc (09022015). Collection method: clinical testing. Allele origin: germline.
Comment: This sequence change falls in intron 15 of the PLTP gene. It does not directly change the encoded amino acid sequence of the PLTP protein. It affects a nucleotide within the consensus splice site. This variant is present in population databases (rs369330245, gnomAD 0.01%). This variant has not been reported in the literature in individuals affected with PLTP-related conditions. Variants that disrupt the consensus splice site are a relatively common cause of aberrant splicing (PMID: 17576681, 9536098). Algorithms developed to predict the effect of sequence changes on RNA splicing suggest that this variant may disrupt the consensus splice site. In summary, the available evidence is currently insufficient to determine the role of this variant in disease. Therefore, it has been classified as a Variant of Uncertain Significance.

Dr. Peter K. Rogan Lab, Western University
No classification provided (evidence only). Condition: Uterine corpus endometrial carcinoma. Review status: no classification provided. Collection method: in vitro. Allele origin: not applicable. Functional consequence: retained intron. Not counted in ClinVar's aggregate classification.

Literature cited by the submitters: PubMed 17576681 (cited by Labcorp Genetics (formerly Invitae), Labcorp); PubMed 9536098 (cited by Labcorp Genetics (formerly Invitae), Labcorp).

NM_006227.4(PLTP):c.1360-3C>T

Gene: PLTP (phospholipid transfer protein; minus strand). Cytogenetic location: 20q13.12.
Variant type: single nucleotide variant.
Coding change: c.1360-3C>T on transcript NM_006227.4 (MANE Select); 3 bases into the intron before coding-DNA position 1360, C replaced by T.
Molecular consequence: intron variant.
Genome position (GRCh38, 1-based): chr20:45,899,066, G>A on the plus strand (C>T on the coding strand, the complement: PLTP is on the minus strand). VCF-style: chr20-45899066-G-A. GRCh37 (hg19) VCF-style: chr20-44527705-G-A.
Other names: NC_000020.10:g.44527705G>A; c.1096-3C>T (NM_001242921.1); c.1075-3C>T (NM_001242920.2); c.1204-3C>T (NM_182676.3).
Identifiers: ClinVar variation 4451156 (VCV004451156.2).
Genomic context (GRCh38, chr20:45,899,066, plus strand): 5'-CAATCACCTCTCGCAGCCCTTTGGCAAAGTGGAGATCAGCCCCGATGGTGAGGAATCCCT[G>A]TGTTGGGGAGAGGGGAGCCTCATTTATTCATTCAGTTATTGAGGCCAGAGTTTAGAGATC-3'